The following is an entry in ClinVar:

ClinVar aggregate classification (germline): Uncertain significance. Review status: criteria provided, multiple submitters, no conflicts (2 of 4 stars). 2 submissions from 2 submitters: Uncertain significance (2). Last evaluated 2025-11-28.

Conditions:
Predisposition to Wilms tumor.

gnomAD v4.1: 32 of 1,613,410 alleles (0.002%); highest among the groups gnomAD compares: Middle Eastern, 0.033%; no homozygotes.

Submissions (2):

Labcorp Genetics (formerly Invitae), Labcorp
Classification: Uncertain significance. Last evaluated: 2025-11-28. Review status: criteria provided, single submitter. Criteria: Invitae Variant Classification Sherloc (09022015). Collection method: clinical testing. Allele origin: germline.
Comment: This sequence change replaces lysine, which is basic and polar, with glutamine, which is neutral and polar, at codon 679 of the NYNRIN protein (p.Lys679Gln). This variant is present in population databases (no rsID available, gnomAD 0.01%). This variant has not been reported in the literature in individuals affected with NYNRIN-related conditions. ClinVar contains an entry for this variant (Variation ID: 4056113). An algorithm developed to predict the effect of missense changes on protein structure and function outputs the following: PolyPhen-2: "Not Available". The glutamine amino acid residue is found in multiple mammalian species, which suggests that this missense change does not adversely affect protein function. In summary, the available evidence is currently insufficient to determine the role of this variant in disease. Therefore, it has been classified as a Variant of Uncertain Significance.

St. Jude Molecular Pathology, St. Jude Children's Research Hospital
Classification: Uncertain significance for Predisposition to Wilms tumor. Last evaluated: 2025-06-17. Review status: criteria provided, single submitter. Criteria: St. Jude Assertion Criteria 2020. Collection method: clinical testing. Allele origin: germline.
Comment: The NYNRIN c.2035A>C p.(Lys679Gln) missense change has a maximum subpopulation frequency of 0.01% in gnomAD v2.1.1. The in silico tool REVEL predicts a benign effect on protein function, but to our knowledge this prediction has not been confirmed by functional studies. To our knowledge, this variant has not been reported in individuals with Wilms tumor. In summary, the evidence currently available is insufficient to determine the clinical significance of this variant. It has therefore been classified as of uncertain significance.

NM_025081.3(NYNRIN):c.2035A>C (p.Lys679Gln)

Gene: NYNRIN (NYN domain and retroviral integrase containing; plus strand). Cytogenetic location: 14q12.
Variant type: single nucleotide variant.
Coding change: c.2035A>C on transcript NM_025081.3 (MANE Select); coding-DNA position 2035, A replaced by C.
Protein change: p.Lys679Gln; replaces lysine 679 with glutamine.
Molecular consequence: missense variant.
Genome position (GRCh38, 1-based): chr14:24,409,829, A>C. VCF-style: chr14-24409829-A-C. GRCh37 (hg19) VCF-style: chr14-24879035-A-C.
Other names: short protein forms K679Q.
Identifiers: ClinVar variation 4056113 (VCV004056113.3).